The following is an entry in ClinVar:

NM_005236.3(ERCC4):c.*2174A>G

Gene: ERCC4 (ERCC excision repair 4, endonuclease catalytic subunit; plus strand). Cytogenetic location: 16p13.12.
Variant type: single nucleotide variant.
Coding change: c.*2174A>G on transcript NM_005236.3 (MANE Select); 2174 bases downstream of the stop codon, A replaced by G.
Molecular consequence: 3 prime UTR variant.
Genome position (GRCh38, 1-based): chr16:13,950,521, A>G. VCF-style: chr16-13950521-A-G. GRCh37 (hg19) VCF-style: chr16-14044378-A-G.
Identifiers: ClinVar variation 317852 (VCV000317852.6), dbSNP rs9925509, ClinGen allele CA10647774.

ClinVar aggregate classification (germline): Benign. Review status: criteria provided, multiple submitters, no conflicts (2 of 4 stars). 2 submissions from 2 submitters: Benign (2). Last evaluated 2018-01-12.

Conditions:
Xeroderma pigmentosum, group F (XPF). Also called: XERODERMA PIGMENTOSUM, COMPLEMENTATION GROUP F; XERODERMA PIGMENTOSUM VI; XP, GROUP F; ERCC4-Related Xeroderma Pigmentosum; XERODERMA PIGMENTOSUM, TYPE F; Xeroderma pigmentosum, type 6. Identifiers: MedGen C0268140, MONDO:0010215, OMIM 278760.

Allele frequency attached by ClinVar (database versions not stated): gnomAD exomes 0.05024; 1000 Genomes Project 0.06709; 1000 Genomes Project 30x 0.06824; gnomAD 0.07847; TOPMed 0.08375.
gnomAD v4.1: 14,315 of 192,864 alleles (7.4%); highest among the groups gnomAD compares: African/African-American, 14%; 676 homozygotes.

Submissions (2):

Illumina Laboratory Services, Illumina
Classification: Benign for Xeroderma pigmentosum, group F. Last evaluated: 2018-01-12. Review status: criteria provided, single submitter. Criteria: ICSL Variant Classification Criteria 13 December 2019. Collection method: clinical testing. Allele origin: germline.
Comment: This variant was observed in the ICSL laboratory as part of a predisposition screen in an ostensibly healthy population. It had not been previously curated by ICSL or reported in the Human Gene Mutation Database (HGMD: prior to June 1st, 2018), and was therefore a candidate for classification through an automated scoring system. Utilizing variant allele frequency, disease prevalence and penetrance estimates, and inheritance mode, an automated score was calculated to assess if this variant is too frequent to cause the disease. Based on the score and internal cut-off values, a variant classified as benign is not then subjected to further curation. The score for this variant resulted in a classification of benign for this disease.

Breakthrough Genomics
Classification: Benign. Review status: criteria provided, single submitter. Criteria: ACMG Guidelines, 2015. Collection method: not provided. Allele origin: germline. Inheritance: Autosomal recessive inheritance. Affected: yes.